The following is an entry in ClinVar:

ClinVar aggregate classification (germline): Conflicting classifications of pathogenicity. Review status: criteria provided, conflicting classifications (1 of 4 stars). 3 submissions from 3 submitters: Uncertain significance (2); Likely benign (1). Last evaluated 2025-03-09.

Conditions:
Oligodontia-cancer predisposition syndrome. Also called: TOOTH AGENESIS-COLORECTAL CANCER SYNDROME. Identifiers: Orphanet 300576, MedGen C1837750, MONDO:0012075, OMIM 608615. Disease mechanism: loss of function.
Hereditary cancer-predisposing syndrome. Also called: Hereditary neoplastic syndrome; Neoplastic Syndromes, Hereditary; Tumor predisposition; Hereditary Cancer Syndrome. Identifiers: Orphanet 140162, MedGen C0027672, MeSH D009386, MONDO:0015356.

Allele frequency attached by ClinVar (database versions not stated): gnomAD exomes below 0.00001; TOPMed below 0.00001.

Submissions (3):

Labcorp Genetics (formerly Invitae), Labcorp
Classification: Uncertain significance for Oligodontia-cancer predisposition syndrome. Last evaluated: 2025-03-09. Review status: criteria provided, single submitter. Criteria: Invitae Variant Classification Sherloc (09022015). Collection method: clinical testing. Allele origin: germline.
Comment: This sequence change replaces valine, which is neutral and non-polar, with alanine, which is neutral and non-polar, at codon 280 of the AXIN2 protein (p.Val280Ala). The frequency data for this variant in the population databases is considered unreliable, as metrics indicate poor data quality at this position in the gnomAD database. This variant has not been reported in the literature in individuals affected with AXIN2-related conditions. ClinVar contains an entry for this variant (Variation ID: 947228). Invitae Evidence Modeling of protein sequence and biophysical properties (such as structural, functional, and spatial information, amino acid conservation, physicochemical variation, residue mobility, and thermodynamic stability) indicates that this missense variant is not expected to disrupt AXIN2 protein function with a negative predictive value of 80%. In summary, the available evidence is currently insufficient to determine the role of this variant in disease. Therefore, it has been classified as a Variant of Uncertain Significance.

Ambry Genetics
Classification: Likely benign for Hereditary cancer-predisposing syndrome. Last evaluated: 2024-04-25. Review status: criteria provided, single submitter. Criteria: Ambry Variant Classification Scheme 2023. Collection method: clinical testing. Allele origin: germline.

GeneDx
Classification: Uncertain significance. Last evaluated: 2021-05-24. Review status: criteria provided, single submitter. Criteria: GeneDx Variant Classification Process June 2021. Collection method: clinical testing. Allele origin: germline. Affected: yes.
Comment: Not observed in large population cohorts (Lek 2016); In silico analysis supports that this missense variant does not alter protein structure/function; Has not been previously published as pathogenic or benign to our knowledge

NM_004655.4(AXIN2):c.839T>C (p.Val280Ala)

Gene: AXIN2 (axin 2; minus strand). Cytogenetic location: 17q24.1.
Variant type: single nucleotide variant.
Coding change: c.839T>C on transcript NM_004655.4 (MANE Select); coding-DNA position 839, T replaced by C.
Protein change: p.Val280Ala; replaces valine 280 with alanine.
Molecular consequence: missense variant.
Genome position (GRCh38, 1-based): chr17:65,549,637, A>G on the plus strand (T>C on the coding strand, the complement: AXIN2 is on the minus strand). VCF-style: chr17-65549637-A-G. GRCh37 (hg19) VCF-style: chr17-63545755-A-G.
Other names: c.839T>C, p.Val280Ala (NM_001363813.1); short protein forms V280A.
Identifiers: ClinVar variation 947228 (VCV000947228.14), dbSNP rs1489180181, ClinGen allele CA400679664.
Genomic context (GRCh38, chr17:65,549,637, plus strand): 5'-CTGTCGTTGGCGCTGGTGGCTGGTGCAAAGACATAGCCAGAACCTATGTGATAAGGATTA[A>G]CAGGATCGCTCCTCTTGAAGGACCTATGGGCAAAGTACAAAAGTGGTTCAGTCACTGACC-3'
Protein context (NP_004646.3, residues 270-290): GYRSFKRSDP[Val280Ala]NPYHIGSGYV